The following is an entry in ClinVar:

NM_004260.4(RECQL4):c.3106C>T (p.His1036Tyr)

Gene: RECQL4 (RecQ like helicase 4; minus strand). Cytogenetic location: 8q24.3.
Variant type: single nucleotide variant.
Coding change: c.3106C>T on transcript NM_004260.4 (MANE Select); coding-DNA position 3106, C replaced by T.
Protein change: p.His1036Tyr; replaces histidine 1036 with tyrosine.
Molecular consequence: missense variant.
Genome position (GRCh38, 1-based): chr8:144,512,274, G>A on the plus strand (C>T on the coding strand, the complement: RECQL4 is on the minus strand). VCF-style: chr8-144512274-G-A. GRCh37 (hg19) VCF-style: chr8-145737657-G-A.
Other names: c.2812C>T, p.His938Tyr (NM_001413017.1); c.2908C>T, p.His970Tyr (NM_001413018.1); c.3181C>T, p.His1061Tyr (NM_001413019.1); c.3010C>T, p.His1004Tyr (NM_001413020.1); c.2035C>T, p.His679Tyr (NM_001413021.1, NM_001413022.1, NM_001413024.1 and 4 more transcripts); c.2110C>T, p.His704Tyr (NM_001413023.1); c.2977C>T, p.His993Tyr (NM_001413025.1); c.1969C>T, p.His657Tyr (NM_001413027.1, NM_001413030.1, NM_001413032.1); and 10 more; short protein forms H1004Y, H1026Y, H547Y, H679Y, H919Y, H635Y, H938Y, H992Y.
Identifiers: ClinVar variation 2191921 (VCV002191921.4), dbSNP rs1827388895, ClinGen allele CA372670615.

ClinVar aggregate classification (germline): Uncertain significance. Review status: criteria provided, multiple submitters, no conflicts (2 of 4 stars). 2 submissions from 2 submitters: Uncertain significance (2). Last evaluated 2025-01-03.

Conditions:
Inborn genetic diseases. Identifiers: MedGen C0950123, MeSH D030342.
Baller-Gerold syndrome (BGS). Also called: CRANIOSYNOSTOSIS WITH RADIAL DEFECTS. Identifiers: Orphanet 1225, MedGen C0265308, MONDO:0009039, OMIM 218600.

Allele frequency attached by ClinVar (database versions not stated): gnomAD exomes below 0.00001.
gnomAD v4.1: 1 of 1,612,512 alleles (0.000062%); highest among the groups gnomAD compares: East Asian, 0.0022%; no homozygotes.

Submissions (2):

Ambry Genetics
Classification: Uncertain significance for Inborn genetic diseases. Last evaluated: 2025-01-03. Review status: criteria provided, single submitter. Criteria: Ambry Variant Classification Scheme 2023. Collection method: clinical testing. Allele origin: germline.
Comment: The p.H1036Y variant (also known as c.3106C>T), located in coding exon 18 of the RECQL4 gene, results from a C to T substitution at nucleotide position 3106. The histidine at codon 1036 is replaced by tyrosine, an amino acid with similar properties. This amino acid position is conserved. Based on the available evidence, the clinical significance of this variant remains unclear.

Labcorp Genetics (formerly Invitae), Labcorp
Classification: Uncertain significance for Baller-Gerold syndrome. Last evaluated: 2023-07-29. Review status: criteria provided, single submitter. Criteria: Invitae Variant Classification Sherloc (09022015). Collection method: clinical testing. Allele origin: germline.
Comment: ClinVar contains an entry for this variant (Variation ID: 2191921). This variant has not been reported in the literature in individuals affected with RECQL4-related conditions. This variant is not present in population databases (gnomAD no frequency). This sequence change replaces histidine, which is basic and polar, with tyrosine, which is neutral and polar, at codon 1036 of the RECQL4 protein (p.His1036Tyr). In summary, the available evidence is currently insufficient to determine the role of this variant in disease. Therefore, it has been classified as a Variant of Uncertain Significance. Advanced modeling of protein sequence and biophysical properties (such as structural, functional, and spatial information, amino acid conservation, physicochemical variation, residue mobility, and thermodynamic stability) performed at Invitae indicates that this missense variant is not expected to disrupt RECQL4 protein function.